The following is an entry in ClinVar:

NM_001243279.3(ACSF3):c.1189del (p.Glu397fs)

Gene: ACSF3 (acyl-CoA synthetase family member 3; plus strand). Cytogenetic location: 16q24.3.
Variant type: Deletion.
Coding change: c.1189del on transcript NM_001243279.3 (MANE Select); coding-DNA position 1189, one base deleted (G; older notation c.1189delG).
Protein change: p.Glu397fs; shifts the reading frame from glutamic acid 397.
Molecular consequence: frameshift variant. On other transcripts: non-coding transcript variant (3).
Genome position (GRCh38, 1-based): chr16:89,120,863, G deleted; the last of 3 consecutive G bases (chr16:89,120,861-89,120,863); deleting any one gives the same sequence. VCF-style (leftmost placement, unchanged base first): chr16-89120860-AG-A. GRCh37 (hg19) VCF-style: chr16-89187268-AG-A.
Other names: c.1189del, p.Glu397fs (NM_001127214.4, NM_174917.5); c.394del, p.Glu132fs (NM_001284316.2); short protein forms E397fs, E132fs.
Identifiers: ClinVar variation 2822548 (VCV002822548.3), dbSNP rs2543678183, ClinGen allele CA2634918670.
Genomic context (GRCh38, chr16:89,120,860, plus strand): 5'-GGTTCCGTGGGGACCCCACTGCCTGGAGTACAGGTGCGCATTGTCTCAGAAAACCCACAG[AG>A]GGAAGCCTGCTCCTACACCATCCACGCAGAGGGAGACGAGAGGGGGACCAAGGTAAGCCA-3'

ClinVar aggregate classification (germline): Pathogenic (1 of 4 stars; one submission).

Conditions:
Combined malonic and methylmalonic acidemia. Identifiers: Orphanet 289504, MedGen C3280314, MONDO:0013661, OMIM 614265.

Submission:

Labcorp Genetics (formerly Invitae), Labcorp
Classification: Pathogenic for Combined malonic and methylmalonic acidemia. Last evaluated: 2023-09-12. Review status: criteria provided, single submitter. Criteria: Invitae Variant Classification Sherloc (09022015). Collection method: clinical testing. Allele origin: germline.
Comment: This sequence change creates a premature translational stop signal (p.Glu397Lysfs*18) in the ACSF3 gene. It is expected to result in an absent or disrupted protein product. Loss-of-function variants in ACSF3 are known to be pathogenic (PMID: 21841779, 26827111). For these reasons, this variant has been classified as Pathogenic. This variant has not been reported in the literature in individuals affected with ACSF3-related conditions. This variant is not present in population databases (gnomAD no frequency).

Literature cited by the submitters: PubMed 21841779; PubMed 26827111.